The following is an entry in ClinVar:

NM_004656.4(BAP1):c.660-25C>G

Gene: BAP1 (BRCA1 associated deubiquitinase 1; minus strand). Cytogenetic location: 3p21.1.
Variant type: single nucleotide variant.
Coding change: c.660-25C>G on transcript NM_004656.4 (MANE Select); 25 bases into the intron before coding-DNA position 660, C replaced by G.
Molecular consequence: intron variant.
Genome position (GRCh38, 1-based): chr3:52,406,401, G>C on the plus strand (C>G on the coding strand, the complement: BAP1 is on the minus strand). VCF-style: chr3-52406401-G-C. GRCh37 (hg19) VCF-style: chr3-52440417-G-C.
Other names: c.660-79C>G (NM_001410772.1).
Identifiers: ClinVar variation 5032736 (VCV005032736.1).

ClinVar aggregate classification (germline): Uncertain significance (1 of 4 stars; one submission).

Conditions:
Hereditary cancer-predisposing syndrome. Also called: Neoplastic Syndromes, Hereditary; Tumor predisposition; Hereditary neoplastic syndrome; Hereditary Cancer Syndrome. Identifiers: Orphanet 140162, MedGen C0027672, MeSH D009386, MONDO:0015356.

Submission:

Ambry Genetics
Classification: Uncertain significance for Hereditary cancer-predisposing syndrome. Last evaluated: 2026-07-30. Review status: criteria provided, single submitter. Criteria: Ambry Variant Classification Scheme 2023. Collection method: clinical testing. Allele origin: germline.
Comment: The c.660-25C>G intronic variant results from a C to G substitution 25 nucleotides upstream from coding exon 9 in the BAP1 gene. This variant was non-functional in a high throughput genome editing haploid cell survival functional assay (Waters AJ et al. Nat Genet, 2024 Jul;56:1434-1445). This nucleotide position is well conserved in available vertebrate species. In silico splice site analysis for this alteration is inconclusive, and direct evidence is insufficient at this time (Ambry internal data). Based on the available evidence, the clinical significance of this variant remains unclear.

Literature cited by the submitters: PubMed 38969833.